The following is an entry in ClinVar:

ClinVar aggregate classification (germline): Uncertain significance. Review status: criteria provided, multiple submitters, no conflicts (2 of 4 stars). 2 submissions from 2 submitters: Uncertain significance (2). Last evaluated 2024-04-08.

Conditions:
Inborn genetic diseases. Identifiers: MedGen C0950123, MeSH D030342.
Dyskeratosis congenita, autosomal dominant 6 (DKCA6). Identifiers: Orphanet 3322, MedGen C4225284, MONDO:0014690, OMIM 616553.

Allele frequency attached by ClinVar (database versions not stated): gnomAD exomes below 0.00001; gnomAD 0.00001; TOPMed 0.00001; ExAC 0.00002.
gnomAD v4.1: 8 of 1,608,542 alleles (0.0005%); highest among the groups gnomAD compares: East Asian, 0.016%; no homozygotes.

Submissions (2):

Ambry Genetics
Classification: Uncertain significance for Inborn genetic diseases. Last evaluated: 2024-04-08. Review status: criteria provided, single submitter. Criteria: Ambry Variant Classification Scheme 2023. Collection method: clinical testing. Allele origin: germline.

Labcorp Genetics (formerly Invitae), Labcorp
Classification: Uncertain significance for Dyskeratosis congenita, autosomal dominant 6. Last evaluated: 2024-02-24. Review status: criteria provided, single submitter. Criteria: Invitae Variant Classification Sherloc (09022015). Collection method: clinical testing. Allele origin: germline.
Comment: This sequence change replaces alanine, which is neutral and non-polar, with glycine, which is neutral and non-polar, at codon 134 of the ACD protein (p.Ala134Gly). This variant is present in population databases (rs755166756, gnomAD 0.03%). This variant has not been reported in the literature in individuals affected with ACD-related conditions. ClinVar contains an entry for this variant (Variation ID: 1737092). Advanced modeling of protein sequence and biophysical properties (such as structural, functional, and spatial information, amino acid conservation, physicochemical variation, residue mobility, and thermodynamic stability) performed at Invitae indicates that this missense variant is expected to disrupt ACD protein function with a positive predictive value of 80%. In summary, the available evidence is currently insufficient to determine the role of this variant in disease. Therefore, it has been classified as a Variant of Uncertain Significance.

NM_001082486.2(ACD):c.143C>G (p.Ala48Gly)

Gene: ACD (ACD shelterin complex subunit and telomerase recruitment factor; minus strand). Cytogenetic location: 16q22.1.
Variant type: single nucleotide variant.
Coding change: c.143C>G on transcript NM_001082486.2 (MANE Select); coding-DNA position 143, C replaced by G.
Protein change: p.Ala48Gly; replaces alanine 48 with glycine.
Molecular consequence: missense variant.
Genome position (GRCh38, 1-based): chr16:67,660,002, G>C on the plus strand (C>G on the coding strand, the complement: ACD is on the minus strand). VCF-style: chr16-67660002-G-C. GRCh37 (hg19) VCF-style: chr16-67693905-G-C.
Other names: c.143C>G, p.Ala48Gly (NM_001410884.1); c.134C>G, p.Ala45Gly (NM_022914.3); short protein forms A45G, A48G.
Identifiers: ClinVar variation 1737092 (VCV001737092.8), dbSNP rs755166756, ClinGen allele CA8114808.